The following is an entry in ClinVar:

ClinVar aggregate classification (germline): Uncertain significance. Review status: criteria provided, multiple submitters, no conflicts (2 of 4 stars). 2 submissions from 2 submitters: Uncertain significance (2). Last evaluated 2026-04-09.

Conditions:
ADCY3-related disorder. Also called: ADCY3-related condition.

Allele frequency attached by ClinVar (database versions not stated): ExAC 0.00008; 1000 Genomes Project 30x 0.00016; gnomAD 0.00018; 1000 Genomes Project 0.00020; TOPMed 0.00021; ESP Exome Variant Server 0.00023.
gnomAD v4.1: 64 of 1,614,168 alleles (0.004%); highest among the groups gnomAD compares: African/African-American, 0.048%; no homozygotes.

Submissions (2):

PreventionGenetics, part of Exact Sciences
Classification: Uncertain significance for ADCY3-related condition. Last evaluated: 2026-04-09. Review status: criteria provided, single submitter. Criteria: ACMG Guidelines, 2015. Collection method: clinical testing. Allele origin: germline.
Comment: The ADCY3 c.712G>A variant is predicted to result in the amino acid substitution p.Ala238Thr. To our knowledge, this variant has not been reported in the literature. This variant is reported in 0.044% of alleles in individuals of African descent in gnomAD. At this time, the clinical significance of this variant is uncertain due to the absence of conclusive functional and genetic evidence.

Labcorp Genetics (formerly Invitae), Labcorp
Classification: Uncertain significance. Last evaluated: 2025-07-14. Review status: criteria provided, single submitter. Criteria: Invitae Variant Classification Sherloc (09022015). Collection method: clinical testing. Allele origin: germline.
Comment: This sequence change replaces alanine, which is neutral and non-polar, with threonine, which is neutral and polar, at codon 238 of the ADCY3 protein (p.Ala238Thr). This variant is present in population databases (rs148445836, gnomAD 0.04%). This variant has not been reported in the literature in individuals affected with ADCY3-related conditions. ClinVar contains an entry for this variant (Variation ID: 2899571). Invitae Evidence Modeling of protein sequence and biophysical properties (such as structural, functional, and spatial information, amino acid conservation, physicochemical variation, residue mobility, and thermodynamic stability) indicates that this missense variant is not expected to disrupt ADCY3 protein function with a negative predictive value of 80%. In summary, the available evidence is currently insufficient to determine the role of this variant in disease. Therefore, it has been classified as a Variant of Uncertain Significance.

NM_004036.5(ADCY3):c.712G>A (p.Ala238Thr)

Gene: ADCY3 (adenylate cyclase 3; minus strand). Cytogenetic location: 2p23.3.
Variant type: single nucleotide variant.
Coding change: c.712G>A on transcript NM_004036.5 (MANE Select); coding-DNA position 712, G replaced by A.
Protein change: p.Ala238Thr; replaces alanine 238 with threonine.
Molecular consequence: missense variant. On other transcripts: 5 prime UTR variant (1).
Genome position (GRCh38, 1-based): chr2:24,872,683, C>T on the plus strand (G>A on the coding strand, the complement: ADCY3 is on the minus strand). VCF-style: chr2-24872683-C-T. GRCh37 (hg19) VCF-style: chr2-25095552-C-T.
Other names: c.712G>A (NM_001320613.1); c.712G>A, p.Ala238Thr (NM_001320613.2, NM_001377128.1, NM_001377129.1 and 2 more transcripts); c.-12G>A (NM_001377131.1); short protein forms A238T.
Identifiers: ClinVar variation 2899571 (VCV002899571.4), dbSNP rs148445836, ClinGen allele CA1554418.